The following is an entry in ClinVar:

ClinVar aggregate classification (germline): Benign/Likely benign. Review status: criteria provided, multiple submitters, no conflicts (2 of 4 stars). 3 submissions from 3 submitters: Benign (1); Likely benign (2). Last evaluated 2026-06-08.

Conditions:
Hereditary pheochromocytoma and paraganglioma. Also called: Hereditary Paraganglioma-Pheochromocytoma Syndromes; Hereditary pheochromocytoma-paraganglioma; Hereditary paragangliomas and pheochromocytomas. Identifiers: Orphanet 29072, MedGen C4274332, MONDO:0017366.
Pheochromocytoma. Also called: MAX-Related Hereditary Paraganglioma-Pheochromocytoma Syndrome. Identifiers: Orphanet 29072, MedGen C0031511, MONDO:0008233, OMIM 171300, HP:0002666.
Hereditary cancer-predisposing syndrome. Also called: Neoplastic Syndromes, Hereditary; Tumor predisposition; Hereditary neoplastic syndrome; Hereditary Cancer Syndrome. Identifiers: Orphanet 140162, MedGen C0027672, MeSH D009386, MONDO:0015356.

Allele frequency attached by ClinVar (database versions not stated): gnomAD exomes below 0.00001.
gnomAD v4.1: 1 of 1,614,060 alleles (0.000062%); highest among the groups gnomAD compares: Non-Finnish European, 0.000085%; no homozygotes.

Submissions (3):

Myriad Genetics, Inc.
Classification: Benign for Pheochromocytoma. Last evaluated: 2026-06-08. Review status: criteria provided, single submitter. Criteria: Myriad Autosomal Dominant, Autosomal Recessive and X-Linked Classification Criteria (2023). Collection method: clinical testing. Allele origin: unknown.
Comment: This variant is considered benign. This variant is a silent/synonymous amino acid change and it is not expected to impact splicing.

Labcorp Genetics (formerly Invitae), Labcorp
Classification: Likely benign for Hereditary pheochromocytoma and paraganglioma. Last evaluated: 2023-03-02. Review status: criteria provided, single submitter. Criteria: Invitae Variant Classification Sherloc (09022015). Collection method: clinical testing. Allele origin: germline.

Ambry Genetics
Classification: Likely benign for Hereditary cancer-predisposing syndrome. Last evaluated: 2020-07-07. Review status: criteria provided, single submitter. Criteria: Ambry Variant Classification Scheme 2023. Collection method: clinical testing. Allele origin: germline.

NM_002382.5(MAX):c.363C>T (p.Ser121=)

Gene: MAX (MYC associated transcriptional regulator X; minus strand). Cytogenetic location: 14q23.3.
Variant type: single nucleotide variant.
Coding change: c.363C>T on transcript NM_002382.5 (MANE Select); coding-DNA position 363, C replaced by T.
Protein change: p.Ser121=; no amino-acid change (serine 121 retained).
Molecular consequence: synonymous variant. On other transcripts: 3 prime UTR variant (12), non-coding transcript variant (7), intron variant (2).
Genome position (GRCh38, 1-based): chr14:65,076,596, G>A on the plus strand (C>T on the coding strand, the complement: MAX is on the minus strand). VCF-style: chr14-65076596-G-A. GRCh37 (hg19) VCF-style: chr14-65543314-G-A.
Other names: c.174C>T, p.Ser58= (NM_001320415.2, NM_001407105.1, NM_001407106.1 and 1 more transcripts); c.363C>T, p.Ser121= (NM_001407094.1); c.336C>T, p.Ser112= (NM_001407095.1, NM_145112.3); c.*136C>T (NM_001407096.1, NM_001407099.1, NM_001407102.1 and 2 more transcripts); c.*152C>T (NM_001407097.1, NM_001407100.1, NM_001407101.1 and 4 more transcripts); c.255C>T, p.Ser85= (NM_001407098.1); c.162C>T, p.Ser54= (NM_001407111.1, NM_001407112.1); c.144+17112C>T (NM_001271069.2); and 1 more.
Identifiers: ClinVar variation 1733489 (VCV001733489.6), dbSNP rs2139740893, ClinGen allele CA390031781.
Genomic context (GRCh38, chr14:65,076,596, plus strand): 5'-GCTGGAGTCCGAGCCCCCATCGAAGGCAGAGATGGTGCTGCCCTTGGCGTTGGTGTAGAG[G>A]CTGTTGTCTGAGGAGGGGTAGTTGGTCTGCAGTTGGGCACTTGACCTCGCCTTCTCCAGT-3'
Protein context (NP_002373.3, residues 111-131): LQTNYPSSDN[Ser121=]LYTNAKGSTI